The following is an entry in ClinVar:

ClinVar aggregate classification (germline): Pathogenic (1 of 4 stars; one submission).

Conditions:
Hereditary spastic paraplegia 49 (HSAN9). Also called: NEUROPATHY, HEREDITARY SENSORY AND AUTONOMIC, TYPE IX, WITH DEVELOPMENTAL DELAY; Spastic paraplegia 49, autosomal recessive; TECPR2-Related Hereditary Sensory and Autonomic Neuropathy with Intellectual Disability. Identifiers: Orphanet 320385, MedGen C5190860, MONDO:0014016, OMIM 615031.

Submission:

Labcorp Genetics (formerly Invitae), Labcorp
Classification: Pathogenic for Hereditary spastic paraplegia 49. Last evaluated: 2021-02-20. Review status: criteria provided, single submitter. Criteria: Invitae Variant Classification Sherloc (09022015). Collection method: clinical testing. Allele origin: germline.
Comment: For these reasons, this variant has been classified as Pathogenic. This variant has not been reported in the literature in individuals with TECPR2-related conditions. This variant is not present in population databases (ExAC no frequency). This sequence change creates a premature translational stop signal (p.Leu1246Glnfs*13) in the TECPR2 gene. It is expected to result in an absent or disrupted protein product. Loss-of-function variants in TECPR2 are known to be pathogenic (PMID: 23176824, 25590979).

Literature cited by the submitters: PubMed 23176824; PubMed 25590979.

NM_014844.5(TECPR2):c.3737_3738del (p.Leu1246fs)

Gene: TECPR2 (tectonin beta-propeller repeat containing 2; plus strand). Cytogenetic location: 14q32.31.
Variant type: Microsatellite.
Coding change: c.3737_3738del on transcript NM_014844.5 (MANE Select); coding-DNA positions 3737 to 3738, 2 bases deleted (TC; older notation c.3737_3738delTC).
Protein change: p.Leu1246fs; shifts the reading frame from leucine 1246.
Molecular consequence: frameshift variant.
Genome position (GRCh38, 1-based): chr14:102,465,237-102,465,238, TC deleted; deleting any 2 consecutive bases within chr14:102,465,234-102,465,238 gives the same sequence; the c. name uses the placement nearest the transcript's 3' end. VCF-style (leftmost placement, unchanged base first): chr14-102465233-CCT-C. GRCh37 (hg19) VCF-style: chr14-102931570-CCT-C.
Other names: c.3737_3738del, p.Leu1246fs (NM_001172631.3); short protein forms L1246fs.
Identifiers: ClinVar variation 1414294 (VCV001414294.6), dbSNP rs2139771682, ClinGen allele CA2580613775.